The following is an entry in ClinVar:

ClinVar aggregate classification (germline): Likely benign. Review status: criteria provided, multiple submitters, no conflicts (2 of 4 stars). 3 submissions from 3 submitters: Likely benign (3). Last evaluated 2024-12-23.

Conditions:
Cardiovascular phenotype. Identifiers: MedGen CN230736.
RASopathy. Also called: Noonan spectrum disorder; rasopathies. Identifiers: Orphanet 536391, MedGen C5555857, MONDO:0021060.

Allele frequency attached by ClinVar (database versions not stated): gnomAD 0.00001; TOPMed 0.00001; ExAC 0.00002; gnomAD exomes 0.00002 and 0.00003; ESP Exome Variant Server 0.00008.
gnomAD v4.1: 48 of 1,613,958 alleles (0.003%); highest among the groups gnomAD compares: Non-Finnish European, 0.0039%; no homozygotes.

Submissions (3):

Labcorp Genetics (formerly Invitae), Labcorp
Classification: Likely benign for RASopathy. Last evaluated: 2024-12-23. Review status: criteria provided, single submitter. Criteria: Invitae Variant Classification Sherloc (09022015). Collection method: clinical testing. Allele origin: germline.

Ambry Genetics
Classification: Likely benign for Cardiovascular phenotype. Last evaluated: 2020-07-11. Review status: criteria provided, single submitter. Criteria: Ambry Variant Classification Scheme 2023. Collection method: clinical testing. Allele origin: germline.

GeneDx
Classification: Likely benign. Last evaluated: 2016-06-21. Review status: criteria provided, single submitter. Criteria: GeneDx Variant Classification (06012015). Collection method: clinical testing. Allele origin: germline. Affected: yes.
Comment: This variant is considered likely benign or benign based on one or more of the following criteria: it is a conservative change, it occurs at a poorly conserved position in the protein, it is predicted to be benign by multiple in silico algorithms, and/or has population frequency not consistent with disease.

NM_002755.4(MAP2K1):c.834G>A (p.Gln278=)

Gene: MAP2K1 (mitogen-activated protein kinase kinase 1; plus strand). Cytogenetic location: 15q22.31.
Variant type: single nucleotide variant.
Coding change: c.834G>A on transcript NM_002755.4 (MANE Select); coding-DNA position 834, G replaced by A.
Protein change: p.Gln278=; no amino-acid change (glutamine 278 retained).
Molecular consequence: synonymous variant.
Genome position (GRCh38, 1-based): chr15:66,485,130, G>A. VCF-style: chr15-66485130-G-A. GRCh37 (hg19) VCF-style: chr15-66777468-G-A.
Identifiers: ClinVar variation 378874 (VCV000378874.11), dbSNP rs148151221, ClinGen allele CA7624022.
Genomic context (GRCh38, chr15:66,485,130, plus strand): 5'-TGGGAGGTATCCCATCCCTCCTCCAGATGCCAAGGAGCTGGAGCTGATGTTTGGGTGCCA[G>A]GTGGAAGGAGATGCGGCTGAGACCCCACCCAGGCCAAGGACCCCCGGGAGGCCCCTTAGC-3'
Protein context (NP_002746.1, residues 268-288): AKELELMFGC[Gln278=]VEGDAAETPP